The following is an entry in ClinVar:

NM_014639.4(SKIC3):c.2438G>A (p.Cys813Tyr)

Gene: SKIC3 (SKI3 subunit of superkiller complex; minus strand). Cytogenetic location: 5q15.
Variant type: single nucleotide variant.
Coding change: c.2438G>A on transcript NM_014639.4 (MANE Select); coding-DNA position 2438, G replaced by A.
Protein change: p.Cys813Tyr; replaces cysteine 813 with tyrosine.
Molecular consequence: missense variant.
Genome position (GRCh38, 1-based): chr5:95,516,749, C>T on the plus strand (G>A on the coding strand, the complement: SKIC3 is on the minus strand). VCF-style: chr5-95516749-C-T. GRCh37 (hg19) VCF-style: chr5-94852453-C-T.
Other names: short protein forms C813Y.
Identifiers: ClinVar variation 1937737 (VCV001937737.2), dbSNP rs2530754120, ClinGen allele CA360458627.

ClinVar aggregate classification (germline): Uncertain significance (1 of 4 stars; one submission).

Submission:

Labcorp Genetics (formerly Invitae), Labcorp
Classification: Uncertain significance. Last evaluated: 2022-07-30. Review status: criteria provided, single submitter. Criteria: Invitae Variant Classification Sherloc (09022015). Collection method: clinical testing. Allele origin: germline.
Comment: This sequence change replaces cysteine, which is neutral and slightly polar, with tyrosine, which is neutral and polar, at codon 813 of the TTC37 protein (p.Cys813Tyr). This variant is not present in population databases (gnomAD no frequency). This variant has not been reported in the literature in individuals affected with TTC37-related conditions. Algorithms developed to predict the effect of missense changes on protein structure and function are either unavailable or do not agree on the potential impact of this missense change (SIFT: "Deleterious"; PolyPhen-2: "Probably Damaging"; Align-GVGD: "Class C0"). Algorithms developed to predict the effect of sequence changes on RNA splicing suggest that this variant may disrupt the consensus splice site. In summary, the available evidence is currently insufficient to determine the role of this variant in disease. Therefore, it has been classified as a Variant of Uncertain Significance.